The following is an entry in ClinVar:

NM_000359.3(TGM1):c.2088G>T (p.Thr696=)

Gene: TGM1 (transglutaminase 1; minus strand). Cytogenetic location: 14q12.
Variant type: single nucleotide variant.
Coding change: c.2088G>T on transcript NM_000359.3 (MANE Select); coding-DNA position 2088, G replaced by T.
Protein change: p.Thr696=; no amino-acid change (threonine 696 retained).
Molecular consequence: synonymous variant.
Genome position (GRCh38, 1-based): chr14:24,254,664, C>A on the plus strand (G>T on the coding strand, the complement: TGM1 is on the minus strand). VCF-style: chr14-24254664-C-A. GRCh37 (hg19) VCF-style: chr14-24723870-C-A.
Identifiers: ClinVar variation 3911999 (VCV003911999.2).

ClinVar aggregate classification (germline): Uncertain significance (1 of 4 stars; one submission).

Submission:

Women's Health and Genetics/Laboratory Corporation of America, LabCorp
Classification: Uncertain significance. Last evaluated: 2025-07-01. Review status: criteria provided, single submitter. Criteria: LabCorp Variant Classification Summary - May 2015. Collection method: clinical testing. Allele origin: germline.
Comment: Variant summary: TGM1 c.2088G>T (p.Thr696Thr) alters a nucleotide located close to a canonical splice site and therefore could affect mRNA splicing, leading to a significantly altered protein sequence. Several computational tools predict a significant impact on normal splicing: Three predict the variant abolishes a 5' splicing donor site. One predicts the variant weakens a 5' donor site. However, these predictions have yet to be confirmed by functional studies. The variant was absent in 250860 control chromosomes (gnomAD). The available data on variant occurrences in the general population are insufficient to allow any conclusion about variant significance. To our knowledge, no occurrence of c.2088G>T in individuals affected with Lamellar Ichthyosis and no experimental evidence demonstrating its impact on protein function have been reported. No submitters have cited clinical-significance assessments for this variant to ClinVar. Based on the evidence outlined above, the variant was classified as uncertain significance.